The following is an entry in ClinVar:

NM_183075.3(CYP2U1):c.372C>T (p.His124=)

Genes: CYP2U1 (cytochrome P450 family 2 subfamily U member 1; plus strand), CYP2U1-AS1 (CYP2U1 and SGMS2 antisense RNA 1; minus strand). Cytogenetic location: 4q25.
Variant type: single nucleotide variant.
Coding change: c.372C>T on transcript NM_183075.3 (MANE Select); coding-DNA position 372, C replaced by T.
Protein change: p.His124=; no amino-acid change (histidine 124 retained).
Molecular consequence: synonymous variant. On other transcripts: non-coding transcript variant (1).
Genome position (GRCh38, 1-based): chr4:107,932,015, C>T. VCF-style: chr4-107932015-C-T. GRCh37 (hg19) VCF-style: chr4-108853171-C-T.
Identifiers: ClinVar variation 696070 (VCV000696070.16), dbSNP rs375489915, ClinGen allele CA3036978.
Genomic context (GRCh38, chr4:107,932,015, plus strand): 5'-GGTGCTCCTGGCTCACCTAGCCCGCGTGTACGGCAGCATCTTCAGCTTCTTTATCGGCCA[C>T]TACCTGGTGGTGGTCCTCAGCGACTTCCACAGCGTGCGCGAGGCGCTGGTGCAGCAGGCC-3'
Protein context (NP_898898.1, residues 114-134): YGSIFSFFIG[His124=]YLVVVLSDFH

ClinVar aggregate classification (germline): Likely benign. Review status: criteria provided, multiple submitters, no conflicts (2 of 4 stars). 3 submissions from 3 submitters: Likely benign (3). Last evaluated 2026-01-20.

Conditions:
Spastic paraplegia. Identifiers: MedGen C0037772, HP:0001258.

Allele frequency attached by ClinVar (database versions not stated): ESP Exome Variant Server 0.00008; 1000 Genomes Project 30x 0.00016; gnomAD exomes 0.00016; 1000 Genomes Project 0.00020; gnomAD 0.00026 and 0.00031; ExAC 0.00031; TOPMed 0.00034.
gnomAD v4.1: 251 of 1,560,898 alleles (0.016%); highest among the groups gnomAD compares: East Asian, 0.11%; 7 homozygotes.

Submissions (3):

Labcorp Genetics (formerly Invitae), Labcorp
Classification: Likely benign for Spastic paraplegia. Last evaluated: 2026-01-20. Review status: criteria provided, single submitter. Criteria: Invitae Variant Classification Sherloc (09022015). Collection method: clinical testing. Allele origin: germline.

CeGaT Center for Human Genetics Tuebingen
Classification: Likely benign. Last evaluated: 2026-01-01. Review status: criteria provided, single submitter. Criteria: CeGaT Center For Human Genetics Tuebingen Variant Classification Criteria Version 2. Collection method: clinical testing. Allele origin: germline. Affected: yes. Observed: 2 variant alleles.
Comment: CYP2U1: BP4, BP7

Blueprint Genetics
Classification: Likely benign. Last evaluated: 2024-11-20. Review status: criteria provided, single submitter. Criteria: ACMG Guidelines, 2015. Collection method: clinical testing. Allele origin: germline.